The following is an entry in ClinVar:

NM_001384317.1(ZHX3):c.1442C>T (p.Thr481Met)

Gene: ZHX3 (zinc fingers and homeoboxes 3; minus strand). Cytogenetic location: 20q12.
Variant type: single nucleotide variant.
Coding change: c.1442C>T on transcript NM_001384317.1 (MANE Select); coding-DNA position 1442, C replaced by T.
Protein change: p.Thr481Met; replaces threonine 481 with methionine.
Molecular consequence: missense variant.
Genome position (GRCh38, 1-based): chr20:41,203,475, G>A on the plus strand (C>T on the coding strand, the complement: ZHX3 is on the minus strand). VCF-style: chr20-41203475-G-A. GRCh37 (hg19) VCF-style: chr20-39832115-G-A.
Other names: c.1442C>T, p.Thr481Met (NM_001384315.1, NM_001384316.1, NM_001384318.1 and 8 more transcripts); short protein forms T481M.
Identifiers: ClinVar variation 4754279 (VCV004754279.1).

ClinVar aggregate classification (germline): Uncertain significance (1 of 4 stars; one submission).

gnomAD v4.1: 23 of 1,614,100 alleles (0.0014%); highest among the groups gnomAD compares: East Asian, 0.0022%; no homozygotes.

Submission:

Labcorp Genetics (formerly Invitae), Labcorp
Classification: Uncertain significance. Last evaluated: 2025-04-25. Review status: criteria provided, single submitter. Criteria: Invitae Variant Classification Sherloc (09022015). Collection method: clinical testing. Allele origin: germline.
Comment: This sequence change replaces threonine, which is neutral and polar, with methionine, which is neutral and non-polar, at codon 481 of the ZHX3 protein (p.Thr481Met). This variant is present in population databases (rs200141685, gnomAD 0.005%). This variant has not been reported in the literature in individuals affected with ZHX3-related conditions. An algorithm developed to predict the effect of missense changes on protein structure and function (PolyPhen-2) suggests that this variant is likely to be disruptive. In summary, the available evidence is currently insufficient to determine the role of this variant in disease. Therefore, it has been classified as a Variant of Uncertain Significance.